The following is an entry in ClinVar:

ClinVar aggregate classification (germline): Likely benign. Review status: criteria provided, multiple submitters, no conflicts (2 of 4 stars). 3 submissions from 3 submitters: Likely benign (2). 1 of the submissions does not count toward it. Last evaluated 2025-10-20.

Conditions:
DNAJC6-related disorder. Also called: DNAJC6-Related Disorders; DNAJC6-related condition.
Juvenile onset Parkinson disease 19A. Also called: PARK19; DNAJC6 Parkinson Disease. Identifiers: Orphanet 391411, MedGen C3809811, MONDO:0014231, OMIM 615528.

Allele frequency attached by ClinVar (database versions not stated): gnomAD 0.00015 and 0.00021; TOPMed 0.00037; 1000 Genomes Project 0.00060; gnomAD exomes 0.00060; ExAC 0.00061; 1000 Genomes Project 30x 0.00078.
gnomAD v4.1: 320 of 1,614,130 alleles (0.02%); highest among the groups gnomAD compares: East Asian, 0.48%; 2 homozygotes.

Submissions (3):

Labcorp Genetics (formerly Invitae), Labcorp
Classification: Likely benign for Juvenile onset Parkinson disease 19A. Last evaluated: 2025-10-20. Review status: criteria provided, single submitter. Criteria: Invitae Variant Classification Sherloc (09022015). Collection method: clinical testing. Allele origin: germline.

Breakthrough Genomics
Classification: Likely benign. Review status: criteria provided, single submitter. Criteria: ACMG Guidelines, 2015. Collection method: not provided. Allele origin: germline. Inheritance: Autosomal recessive inheritance. Affected: yes.

PreventionGenetics, part of Exact Sciences
Classification: Benign for DNAJC6-related condition. Last evaluated: 2019-07-12. Review status: no assertion criteria provided. Collection method: clinical testing. Allele origin: germline. Not counted in ClinVar's aggregate classification.
Comment: This variant is classified as benign based on ACMG/AMP sequence variant interpretation guidelines (Richards et al. 2015 PMID: 25741868, with internal and published modifications).

NM_001256864.2(DNAJC6):c.1577A>G (p.Asn526Ser)

Gene: DNAJC6 (DnaJ heat shock protein family (Hsp40) member C6; plus strand). Cytogenetic location: 1p31.3.
Variant type: single nucleotide variant.
Coding change: c.1577A>G on transcript NM_001256864.2 (MANE Select); coding-DNA position 1577, A replaced by G.
Protein change: p.Asn526Ser; replaces asparagine 526 with serine.
Molecular consequence: missense variant.
Genome position (GRCh38, 1-based): chr1:65,392,539, A>G. VCF-style: chr1-65392539-A-G. GRCh37 (hg19) VCF-style: chr1-65858222-A-G.
Other names: c.1367A>G, p.Asn456Ser (NM_001256865.2); c.1406A>G, p.Asn469Ser (NM_014787.4); short protein forms N456S, N526S, N469S.
Identifiers: ClinVar variation 706821 (VCV000706821.14), dbSNP rs191459935, ClinGen allele CA893957.
Genomic context (GRCh38, chr1:65,392,539, plus strand): 5'-TGAATCAGGAAAGTGAGCAATCAGATGATGAACTTCTGACACTTTCCAGTCCGCATGGCA[A>G]TGCCAATGGTGACAAGCCTCATGGAGTCAAGAAGCCCAGCAAAAAGCAGCAGGAGCCAGC-3'
Protein context (NP_001243793.1, residues 516-536): ELLTLSSPHG[Asn526Ser]ANGDKPHGVK